The following is an entry in ClinVar:

ClinVar aggregate classification (germline): Pathogenic. Review status: reviewed by expert panel (3 of 4 stars). 15 submissions from 15 submitters: Pathogenic (1). 14 of the submissions do not count toward it. Last evaluated 2024-11-26.

Conditions:
Inherited breast cancer and ovarian cancer.
ATM-related cancer predisposition. Also called: ATM-related cancer susceptibility. Identifiers: MedGen CN377759, MONDO:0700270.
Familial cancer of breast. Also called: hereditary breast carcinoma; BREAST CANCER, FAMILIAL; Hereditary breast cancer. Identifiers: Orphanet 227535, MedGen C0346153, MONDO:0016419, OMIM 114480. Disease mechanism: loss of function.
Ataxia-telangiectasia syndrome (AT). Also called: ATAXIA-TELANGIECTASIA, COMPLEMENTATION GROUP A; ATAXIA-TELANGIECTASIA, FRESNO VARIANT; Ataxia-telangiectasia; Ataxia-telangiectasia, complementation group E; Cerebello-oculocutaneous telangiectasia; Immunodeficiency with ataxia telangiectasia. Identifiers: Orphanet 100, MedGen C0004135, MONDO:0008840, OMIM 208900.
Hereditary cancer-predisposing syndrome. Also called: Hereditary Cancer Syndrome; Tumor predisposition; Neoplastic Syndromes, Hereditary; Hereditary neoplastic syndrome. Identifiers: Orphanet 140162, MedGen C0027672, MeSH D009386, MONDO:0015356.

Allele frequency attached by ClinVar (database versions not stated): ExAC 0.00001; TOPMed 0.00001; gnomAD exomes 0.00002 and 0.00001; gnomAD 0.00001.
gnomAD v4.1: 26 of 1,613,842 alleles (0.0016%); highest among the groups gnomAD compares: Non-Finnish European, 0.0022%; no homozygotes.

Submissions (15):

ClinGen Hereditary Breast, Ovarian and Pancreatic Cancer Variant Curation Expert Panel, ClinGen
Classification: Pathogenic for ATM-related cancer predisposition. Last evaluated: 2024-11-26. Review status: reviewed by expert panel. Criteria: ClinGen HBOP ACMG Specifications ATM V1.3.0. Collection method: curation. Allele origin: germline. Inheritance: Autosomal dominant inheritance.
Comment: The c.8307G>A (p.Trp2769*) variant in ATM is a nonsense variant in a biologically-relevant-exon predicted to cause a premature stop codon leading to nonsense mediated decay in a gene in which loss-of-function is an established disease mechanism. This alteration results in a termination codon upstream of the most C-terminus pathogenic alteration (ATM p.Arg3047*), as classified by the HBOP VCEP, and is expected to be more deleterious. This variant has been detected in at least 2 individuals with Ataxia-Telangiectasia (PMID: 8845835, 26896183). The highest population minor allele frequency in gnomAD v2.1.1 0.00005 in the East Asian population (PM2_Supporting, BS1, and BA1 are not met). In summary, this variant meets criteria to be classified as pathogenic for autosomal dominant hereditary breast cancer and autosomal recessive Ataxia-Telangiectasia based on the ACMG/AMP criteria applied as specified by the HBOP Variant Curation Expert Panel. (PVS1, PM5_supporting, PM3)

Labcorp Genetics (formerly Invitae), Labcorp
Classification: Pathogenic for Ataxia-telangiectasia syndrome. Last evaluated: 2025-12-14. Review status: criteria provided, single submitter. Criteria: Invitae Variant Classification Sherloc (09022015). Collection method: clinical testing. Allele origin: germline. Not counted in ClinVar's aggregate classification.
Comment: This sequence change creates a premature translational stop signal (p.Trp2769*) in the ATM gene. It is expected to result in an absent or disrupted protein product. Loss-of-function variants in ATM are known to be pathogenic (PMID: 23807571, 25614872). This variant is present in population databases (rs778269655, gnomAD 0.006%). This premature translational stop signal has been observed in individual(s) with ataxia-telangiectasia (PMID: 8845835). ClinVar contains an entry for this variant (Variation ID: 189104). For these reasons, this variant has been classified as Pathogenic.

Molecular Pathology, Peter Maccallum Cancer Centre
Classification: Pathogenic for Ataxia-telangiectasia syndrome. Last evaluated: 2025-05-30. Review status: criteria provided, single submitter. Criteria: ACMG Guidelines, 2015. Collection method: clinical testing. Allele origin: germline. Inheritance: Autosomal recessive inheritance. Not counted in ClinVar's aggregate classification.

Color Diagnostics, LLC DBA Color Health
Classification: Pathogenic for Hereditary cancer-predisposing syndrome. Last evaluated: 2025-05-13. Review status: criteria provided, single submitter. Criteria: ACMG Guidelines, 2015. Collection method: clinical testing. Allele origin: germline. Not counted in ClinVar's aggregate classification.
Comment: This variant changes 1 nucleotide in exon 57 of the ATM gene, creating a premature translation stop signal. This variant is expected to result in an absent or non-functional protein product. This variant has been reported in individuals affected with breast cancer (PMID: 26786923, 33471991), pancreatic cancer (PMID: 33436325), and in the compound heterozygous state with a second ATM mutation in individuals affected with ataxia-telangiectasia (PMID: 8845835, 22649200). This variant has been identified in 2/251376 chromosomes in the general population by the Genome Aggregation Database (gnomAD). Loss of ATM function is a known mechanism of disease. Based on the available evidence, this variant is classified as Pathogenic.

NHS Central & South Genomic Laboratory Hub
Classification: Pathogenic for Inherited breast cancer and ovarian cancer. Last evaluated: 2025-04-09. Review status: criteria provided, single submitter. Criteria: ACMG Guidelines, 2015. Collection method: clinical testing. Allele origin: germline. Affected: yes. Not counted in ClinVar's aggregate classification.

Myriad Genetics, Inc.
Classification: Pathogenic for Familial cancer of breast. Last evaluated: 2024-02-01. Review status: criteria provided, single submitter. Criteria: Myriad Autosomal Dominant, Autosomal Recessive and X-Linked Classification Criteria (2023). Collection method: clinical testing. Allele origin: unknown. Not counted in ClinVar's aggregate classification.
Comment: This variant is considered pathogenic. This variant creates a termination codon and is predicted to result in premature protein truncation.

Fulgent Genetics
Classification: Pathogenic for Familial cancer of breast; Ataxia-telangiectasia syndrome. Last evaluated: 2024-01-09. Review status: criteria provided, single submitter. Criteria: ACMG Guidelines, 2015. Collection method: clinical testing. Allele origin: germline. Not counted in ClinVar's aggregate classification.

Ambry Genetics
Classification: Pathogenic for Hereditary cancer-predisposing syndrome. Last evaluated: 2023-10-20. Review status: criteria provided, single submitter. Criteria: Ambry Variant Classification Scheme 2023. Collection method: clinical testing. Allele origin: germline. Not counted in ClinVar's aggregate classification.
Comment: The p.W2769* pathogenic mutation (also known as c.8307G>A), located in coding exon 56 of the ATM gene, results from a G to A substitution at nucleotide position 8307. This changes the amino acid from a tryptophan to a stop codon within coding exon 56. This mutation has been identified in several individuals with Ataxia-telangiectasia (AT) who also carried another mutation in the ATM gene (Gilad S, et al. Hum. Mol. Genet. 1996;5(4):433-9; Jackson TJ et al. Dev. Med. Child Neurol. 2016 07;58:690-7; Ambry internal data). This alteration has also been reported in at least one subject in a study of 13087 breast cancer cases and 5488 control individuals in the UK (Decker B et al. J. Med. Genetic. 2017 11;54:732-741) and was identified in 2/2000 Australian breast or ovarian cancer patients and 0/1997 controls undergoing multigene panel testing for hereditary cancer risk (Thompson ER et al, J. Clin. Oncol. 2016 May;34:1455-9). In addition to the clinical data presented in the literature, this alteration is expected to result in loss of function by premature protein truncation or nonsense-mediated mRNA decay. As such, this alteration is interpreted as a disease-causing mutation.

Baylor Genetics
Classification: Pathogenic for Familial cancer of breast. Last evaluated: 2023-05-06. Review status: criteria provided, single submitter. Criteria: ACMG Guidelines, 2015. Collection method: clinical testing. Allele origin: unknown. Not counted in ClinVar's aggregate classification.

GeneDx
Classification: Pathogenic. Last evaluated: 2023-02-17. Review status: criteria provided, single submitter. Criteria: GeneDx Variant Classification Process June 2021. Collection method: clinical testing. Allele origin: germline. Affected: yes. Not counted in ClinVar's aggregate classification.
Comment: Nonsense variant predicted to result in protein truncation or nonsense mediated decay in a gene for which loss of function is a known mechanism of disease; Observed in individuals with a personal or family history of cancers consistent with pathogenic variants in this gene, including breast and prostate cancer (Thompson et al., 2016; Decker et al., 2017; Ghazani et al., 2017; Na et al., 2017; AlDubayan et al., 2018; Li et al., 2019; Karlsson et all., 2021); Observed in the compound heterozygous state in individuals with ataxia-telangiectasia (Gilad et al., 1996; Corts et al., 2003; Rbe et al., 2010); Published functional studies demonstrate a damaging effect: absence of protein expression, loss of kinase activity, and increased sensitivity to ionizing radiation (Corts et al., 2003); Not observed at significant frequency in large population cohorts (gnomAD); Truncating variants in this gene are considered pathogenic by a well-established clinical consortium and/or database; This variant is associated with the following publications: (PMID: 29752822, 35047863, 8845835, 26786923, 12883528, 29555025, 25133958, 20153123, 29478780, 28779002, 28125075, 27989354, 28716242, 25525159, 33436325, 9259193, 22649200, 29922827, 32338768, 33804961, 32853339, 26896183)

Women's Health and Genetics/Laboratory Corporation of America, LabCorp
Classification: Pathogenic for Ataxia-telangiectasia syndrome. Last evaluated: 2022-09-12. Review status: criteria provided, single submitter. Criteria: LabCorp Variant Classification Summary - May 2015. Collection method: clinical testing. Allele origin: germline. Not counted in ClinVar's aggregate classification.
Comment: Variant summary: ATM c.8307G>A (p.Trp2769X) results in a premature termination codon, predicted to cause a truncation of the encoded protein or absence of the protein due to nonsense mediated decay, which are commonly known mechanisms for disease. Truncations downstream of this position have been classified as pathogenic by our laboratory. The variant allele was found at a frequency of 8e-06 in 251376 control chromosomes (gnomAD). c.8307G>A has been reported in the literature in individuals affected with breast cancer or prostate cancer (Decker_2017, Nguyen-Dumont_2020). These data indicate that the variant is likely to be associated with disease. To our knowledge, no experimental evidence demonstrating an impact on protein function has been reported. Six ClinVar submitters (evaluation after 2014) cite the variant as pathogenic. Based on the evidence outlined above, the variant was classified as pathogenic.

AiLife Diagnostics
Classification: Pathogenic. Last evaluated: 2021-12-28. Review status: criteria provided, single submitter. Criteria: ACMG Guidelines, 2015. Collection method: clinical testing. Allele origin: germline. Affected: yes. Observed: 1 variant allele. Not counted in ClinVar's aggregate classification.

Department of Pathology and Laboratory Medicine, Sinai Health System
Classification: Pathogenic for Familial cancer of breast. Last evaluated: 2021-06-30. Review status: criteria provided, single submitter. Criteria: ACMG Guidelines, 2015. Collection method: clinical testing. Allele origin: germline. Affected: yes. Not counted in ClinVar's aggregate classification.

Natera, Inc.
Classification: Pathogenic for Ataxia-telangiectasia. Last evaluated: 2020-07-23. Review status: no assertion criteria provided. Collection method: clinical testing. Allele origin: germline. Not counted in ClinVar's aggregate classification.

Counsyl
Classification: Likely pathogenic for Ataxia-telangiectasia syndrome. Last evaluated: 2014-12-23. Review status: no assertion criteria provided. Collection method: literature only. Allele origin: unknown. Inheritance: Autosomal recessive inheritance. Not counted in ClinVar's aggregate classification.

Literature cited by the submitters: PubMed 23807571 (cited by Labcorp Genetics (formerly Invitae), Labcorp); PubMed 25614872 (cited by Labcorp Genetics (formerly Invitae), Labcorp); PubMed 8845835 (cited by 6 submitters); PubMed 22649200 (cited by 3 submitters); PubMed 26786923 (cited by 3 submitters); PubMed 33436325 (cited by 3 submitters); PubMed 33471991 (cited by Color Diagnostics, LLC DBA Color Health and Department of Pathology and Laboratory Medicine, Sinai Health System); PubMed 12883528 (cited by Ambry Genetics and Counsyl); PubMed 20153123 (cited by Ambry Genetics); PubMed 26896183 (cited by Ambry Genetics); PubMed 27989354 (cited by Ambry Genetics and AiLife Diagnostics); PubMed 28125075 (cited by Ambry Genetics and AiLife Diagnostics); PubMed 28779002 (cited by 4 submitters); PubMed 29478780 (cited by Ambry Genetics and AiLife Diagnostics); PubMed 29555025 (cited by Ambry Genetics); PubMed 29752822 (cited by Ambry Genetics and AiLife Diagnostics); PubMed 9259193 (cited by Ambry Genetics); PubMed 32338768 (cited by Women's Health and Genetics/Laboratory Corporation of America, LabCorp and AiLife Diagnostics); PubMed 32853339 (cited by AiLife Diagnostics); PubMed 25525159 (cited by AiLife Diagnostics); PubMed 25133958 (cited by Counsyl).

NM_000051.4(ATM):c.8307G>A (p.Trp2769Ter)

Genes: ATM (ATM serine/threonine kinase; plus strand), C11orf65 (chromosome 11 open reading frame 65; minus strand). Cytogenetic location: 11q22.3.
Variant type: single nucleotide variant.
Coding change: c.8307G>A on transcript NM_000051.4 (MANE Select); coding-DNA position 8307, G replaced by A.
Protein change: p.Trp2769Ter; replaces tryptophan 2769 with a stop codon.
Molecular consequence: nonsense. On other transcripts: intron variant (2).
Genome position (GRCh38, 1-based): chr11:108,343,260, G>A. VCF-style: chr11-108343260-G-A. GRCh37 (hg19) VCF-style: chr11-108213987-G-A.
Other names: NM_000051.4(ATM):c.8307G>A; p.Trp2769Ter; c.695-7968C>T (NM_001351110.2); c.8307G>A, p.Trp2769Ter (NM_001351834.2); c.641-34189C>T (NM_001330368.2); short protein forms W2769*.
Identifiers: ClinVar variation 189104 (VCV000189104.42), dbSNP rs778269655, ClinGen allele CA334794.